The following is an entry in ClinVar:

NM_000545.8(HNF1A):c.511C>T (p.Arg171Ter)

Gene: HNF1A (HNF1 homeobox A; plus strand). Cytogenetic location: 12q24.31.
Variant type: single nucleotide variant.
Coding change: c.511C>T on transcript NM_000545.8 (MANE Select); coding-DNA position 511, C replaced by T.
Protein change: p.Arg171Ter; replaces arginine 171 with a stop codon.
Molecular consequence: nonsense.
Genome position (GRCh38, 1-based): chr12:120,989,017, C>T. VCF-style: chr12-120989017-C-T. GRCh37 (hg19) VCF-style: chr12-121426820-C-T.
Other names: NM_000545.8(HNF1A):c.511C>T; p.Arg171Ter; c.511C>T, p.Arg171Ter (NM_001306179.2); c.511C>T (NM_000545.6); short protein forms R171*.
Identifiers: ClinVar variation 377965 (VCV000377965.21), dbSNP rs1057520291, ClinGen allele CA16606083.

ClinVar aggregate classification (germline): Pathogenic. Review status: reviewed by expert panel (3 of 4 stars). 8 submissions from 8 submitters: Pathogenic (1). 7 of the submissions do not count toward it. Last evaluated 2022-04-10.

Conditions:
Maturity-onset diabetes of the young (MODY). Also called: Maturity onset diabetes mellitus in young. Identifiers: Orphanet 552, MedGen C0342276, MONDO:0018911, HP:0004904.
HNF1A-related disorder. Also called: HNF1A-related condition.
Monogenic diabetes. Identifiers: Orphanet 183625, MedGen C3888631, MONDO:0015967.
Hepatic adenomas, familial. Also called: HEPATIC ADENOMA, SOMATIC; LIVER CELL ADENOMAS, FAMILIAL. Identifiers: MedGen C1840646, MONDO:0007718, OMIM 142330.
Maturity-onset diabetes of the young type 3. Also called: MODY type 3; MODY, type III. Identifiers: Orphanet 552, MedGen C1838100, MeSH C563933, MONDO:0010894, OMIM 600496. Disease mechanism: loss of function.

Allele frequency attached by ClinVar (database versions not stated): TOPMed 0.00001.

Submissions (9):

ClinGen Monogenic Diabetes Variant Curation Expert Panel
Classification: Pathogenic for Monogenic diabetes. Last evaluated: 2022-04-10. Review status: reviewed by expert panel. Criteria: ClinGen Diabetes ACMG Specifications v1 1. Collection method: curation. Allele origin: germline. Inheritance: Autosomal dominant inheritance.
Comment: The c.511C>T variant in the HNF1 homeobox A gene, HNF1A, results in a premature termination at codon 171 (p.(Arg171Ter)) of NM_000545.8. This variant, located in biologically-relevant exon 2 of 10, is predicted to lead to nonsense mediated decay in a gene in which loss-of-function is an established disease mechanism (PVS1; PMID: 23348805). This variant is absent from gnomAD v2.1.1 (PM2_Supporting). This variant segregated with diabetes, with 13 informative meioses in 5 families with MODY (PP1_Strong; internal lab contributors). This variant was identified in 14 unrelated individuals with non- autoimmune and non-absolute/near-absolute insulin-deficient diabetes (PS4; PMIDs: 9097962, 10102714, 12530534, 12574234, internal lab contributors). This variant was identified in an individual with a clinical history highly specific for HNF1A-MODY (MODY probability calculator result >50%, negative genetic testing for HNF4A, and negative antibodies) (PP4_Moderate; internal lab contributors). In summary, c.511C>T meets the criteria to be classified as pathogenic for monogenic diabetes. ACMG/AMP criteria applied, as specified by the ClinGen MDEP (specification version 1.1, approved September 30, 2021): PVS1, PS4, PP1_Strong, PM2_Supporting, PP4_Moderate.

Labcorp Genetics (formerly Invitae), Labcorp
Classification: Pathogenic. Last evaluated: 2025-11-25. Review status: criteria provided, single submitter. Criteria: Invitae Variant Classification Sherloc (09022015). Collection method: clinical testing. Allele origin: germline. Not counted in ClinVar's aggregate classification.
Comment: This sequence change creates a premature translational stop signal (p.Arg171*) in the HNF1A gene. It is expected to result in an absent or disrupted protein product. Loss-of-function variants in HNF1A are known to be pathogenic (PMID: 15928245, 18003757). This variant is not present in population databases (gnomAD no frequency). This premature translational stop signal has been observed in individual(s) with maturity-onset diabetes of the young 3 (PMID: 9097962). Invitae Evidence Modeling of clinical and family history, age, sex, and reported ancestry of multiple individuals with this HNF1A variant has been performed. This variant is expected to be pathogenic with a positive predictive value of at least 99%. This is a validated machine learning model that incorporates the clinical features of 42,750 individuals referred to our laboratory for HNF1A testing. ClinVar contains an entry for this variant (Variation ID: 377965). Algorithms developed to predict the effect of sequence changes on RNA splicing suggest that this variant may create or strengthen a splice site. For these reasons, this variant has been classified as Pathogenic.

Ambry Genetics
Classification: Pathogenic for Maturity-onset diabetes of the young. Last evaluated: 2025-10-08. Review status: criteria provided, single submitter. Criteria: Ambry Variant Classification Scheme 2023. Collection method: clinical testing. Allele origin: germline. Not counted in ClinVar's aggregate classification.
Comment: The c.511C>T (p.R171*) alteration, located in exon 2 (coding exon 2) of the HNF1A gene, consists of a C to T substitution at nucleotide position 511. This changes the amino acid from an arginine (R) to a stop codon at amino acid position 171. This alteration is expected to result in loss of function by premature protein truncation or nonsense-mediated mRNA decay. This variant was not reported in population-based cohorts in the Genome Aggregation Database (gnomAD). This variant has been observed to co-segregate with disease in families with maturity-onset diabetes of the young (MODY) (Vaxillaire, 1997; Bj&oslash;rkhaug, 2003) and has been reported in multiple probands with a MODY phenotype (Bennett, 2015; Santana, 2017). Functional studies demonstrated that this variant significantly decreases transcriptional activity and results in the absence of DNA binding ability (Bj&oslash;rkhaug, 2003). Based on the available evidence, this alteration is classified as pathogenic.

GeneDx
Classification: Pathogenic. Last evaluated: 2022-12-06. Review status: criteria provided, single submitter. Criteria: GeneDx Variant Classification Process June 2021. Collection method: clinical testing. Allele origin: germline. Affected: yes. Not counted in ClinVar's aggregate classification.
Comment: Published functional studies demonstrate reduced DNA binding ability, transactivation potential and impaired mRNA stability (Thomas et al., 2002); Nonsense variant predicted to result in protein truncation or nonsense mediated decay in a gene for which loss-of-function is a known mechanism of disease; Not observed in large population cohorts (gnomAD); This variant is associated with the following publications: (PMID: 29439679, 9097962, 12574234, 27420379, 26641800, 12530534)

Athena Diagnostics
Classification: Pathogenic. Last evaluated: 2021-11-15. Review status: criteria provided, single submitter. Criteria: Athena Diagnostics Criteria. Collection method: clinical testing. Allele origin: unknown. Not counted in ClinVar's aggregate classification.
Comment: This variant is expected to result in the loss of a functional protein. This variant has not been reported in large, multi-ethnic general populations. This variant segregates with disease in multiple families. Assessment of experimental evidence suggests this variant results in abnormal protein function. Studies show that this variant results in reduced transactivation activity as well as loss of DNA binding activity (PMID: 10585442, 12107757, 12530534, 12574234). The variant is located in a region that is considered important for protein function and/or structure.

Neuberg Centre For Genomic Medicine, NCGM
Classification: Pathogenic for Hepatic adenomas, familial. Review status: criteria provided, single submitter. Criteria: ACMG Guidelines, 2015. Collection method: clinical testing. Allele origin: germline. Inheritance: Autosomal recessive inheritance. Affected: yes. Not counted in ClinVar's aggregate classification.
Comment: This variant segregates with disease in multiple families. Functional studies demonstrated that this mutation significantly decreases transcriptional activity and results in the absence of DNA binding ability (Thomas H, et al., 2002).

Seattle Children's Hospital Molecular Genetics Laboratory, Seattle Children's Hospital
Classification: Pathogenic for Maturity-onset diabetes of the young type 3. Review status: criteria provided, single submitter. Criteria: ACMG Guidelines, 2015. Collection method: clinical testing. Allele origin: germline. Affected: yes. Not counted in ClinVar's aggregate classification.
Comment: The p.Arg171* variant leads to a premature termination codon and is predicted to cause loss-of-function due to a truncated or absent gene product. Functional studies have shown that the p.Arg171* variant results in loss of DNA binding ability and transactivation potential, as well as impaired mRNA stability (PMID: 12530534). This variant has been reported in several unrelated individuals with HNF1A-related MODY (PMID: 9097962, 27420379, 26641800, 35472491, 29439679). The p.Arg171* variant is absent from large population studies (gnomAD v2.1.1).

PreventionGenetics, part of Exact Sciences
Classification: Pathogenic for HNF1A-related condition. Last evaluated: 2024-05-23. Review status: no assertion criteria provided. Collection method: clinical testing. Allele origin: germline. Not counted in ClinVar's aggregate classification.
Comment: The HNF1A c.511C>T variant is predicted to result in premature protein termination (p.Arg171*). This variant has been reported to be pathogenic in multiple individuals with Maturity Onset Diabetes of the Young (MODY) (Vaxillaire et al 1997. PubMed ID: 9097962; Thomas H et al 2002. PubMed ID: 12530534; Mohan V et al 2018. PubMed ID: 29439679). This variant has not been reported in a large population database, indicating this variant is rare. This variant has been classified as pathogenic by ClinGen Monogenic Diabetes Variant Curation Expert Panel. This variant is interpreted as pathogenic.

Dr. Peter K. Rogan Lab, Western University
No classification provided (evidence only). Condition: Hepatocellular carcinoma. Review status: no classification provided. Collection method: in vitro. Allele origin: not applicable. Functional consequence: skipped exon. Not counted in ClinVar's aggregate classification.

Literature cited by the submitters: PubMed 15928245 (cited by Labcorp Genetics (formerly Invitae), Labcorp); PubMed 18003757 (cited by Labcorp Genetics (formerly Invitae), Labcorp); PubMed 9097962 (cited by 3 submitters); PubMed 12574234 (cited by Ambry Genetics and Athena Diagnostics); PubMed 25555642 (cited by Ambry Genetics); PubMed 28170077 (cited by Ambry Genetics and Athena Diagnostics); PubMed 31576961 (cited by Athena Diagnostics); PubMed 29439679 (cited by Athena Diagnostics); PubMed 30121369 (cited by Athena Diagnostics); PubMed 34440499 (cited by Athena Diagnostics); PubMed 10102714 (cited by Athena Diagnostics); PubMed 10585442 (cited by Athena Diagnostics); PubMed 12107757 (cited by Athena Diagnostics); PubMed 12530534 (cited by Athena Diagnostics); PubMed 15657605 (cited by Athena Diagnostics); PubMed 9604876 (cited by Athena Diagnostics); PubMed 25525159 (cited by Athena Diagnostics).